The following is an entry in ClinVar:

NM_020547.3(AMHR2):c.1332_1358del (p.Gly445_Leu453del)

Gene: AMHR2 (anti-Mullerian hormone receptor type 2; plus strand). Cytogenetic location: 12q13.13.
Variant type: Deletion.
Coding change: c.1332_1358del on transcript NM_020547.3 (MANE Select); coding-DNA positions 1332 to 1358, 27 bases deleted (GGGCAATACCCCTACCTCTGATGAGCT).
Protein change: p.Gly445_Leu453del.
Molecular consequence: inframe deletion. On other transcripts: intron variant (1).
Genome position (GRCh38, 1-based): chr12:53,430,189-53,430,215, GGGCAATACCCCTACCTCTGATGAGCT deleted; deleting any 27 consecutive bases within chr12:53,430,187-53,430,215 gives the same sequence; the c. name uses the placement nearest the transcript's 3' end. VCF-style (leftmost placement, unchanged base first): chr12-53430186-ACTGGGCAATACCCCTACCTCTGATGAG-A. GRCh37 (hg19) VCF-style: chr12-53823970-ACTGGGCAATACCCCTACCTCTGATGAG-A.
Other names: c.1328_1354del, p.Trp443_Ser451del (NM_001164690.2); c.1140+564_1140+590del (NM_001164691.2); c.1332_1358del27 (NM_020547.3).
Identifiers: ClinVar variation 8627 (VCV000008627.20), dbSNP rs764761319, ClinGen allele CA6600594.

ClinVar aggregate classification (germline): Pathogenic. Review status: criteria provided, multiple submitters, no conflicts (2 of 4 stars). 9 submissions from 9 submitters: Pathogenic (8). 1 of the submissions does not count toward it. Last evaluated 2026-04-10.

Conditions:
Differences in sex development.
AMHR2-related disorder. Also called: AMHR2-related condition.
Persistent Mullerian duct syndrome (PMDS). Also called: PERSISTENT MULLERIAN DUCT SYNDROME, TYPES I AND II; FEMALE GENITAL DUCTS IN OTHERWISE NORMAL MALE; PERSISTENT OVIDUCT SYNDROME; PSEUDOHERMAPHRODITISM, MALE INTERNAL; HERNIA UTERI INGUINALE. Identifiers: Orphanet 2856, MedGen C1849930, MONDO:0009857, OMIM 261550.
Persistent mullerian duct syndrome, type II. Identifiers: MedGen C3897940.

Submissions (9):

Dasa
Classification: Pathogenic. Last evaluated: 2026-04-10. Review status: criteria provided, single submitter. Criteria: DASA Assertion Criteria. Collection method: clinical testing. Allele origin: germline.
Comment: NM_020547.3(AMHR2):c.1332_1358del (p.Gly445_Leu453del) is an in-frame deletion predicted to remove amino acids from glycine at protein position 445 through leucine at protein position 453 without shifting the reading frame. This variant has been recurrently observed in individuals with AMHR2-related disorders (PMID: 872466; PMID: 14745940). Functional evidence supports an impact on the gene or gene product (PMID: 872466; PMID: 14745940). Also, this variant is rare in population databases. Based on the currently available evidence, this variant is classified as pathogenic.

Labcorp Genetics (formerly Invitae), Labcorp
Classification: Pathogenic. Last evaluated: 2025-12-08. Review status: criteria provided, single submitter. Criteria: Invitae Variant Classification Sherloc (09022015). Collection method: clinical testing. Allele origin: germline.
Comment: This variant, c.1332_1358del, results in the deletion of 9 amino acid(s) of the AMHR2 protein (p.Gly445_Leu453del), but otherwise preserves the integrity of the reading frame. This variant is present in population databases (rs764761319, gnomAD 0.09%). This variant has been observed in individuals with AMHR2-related conditions (PMID: 8872466). This variant is also known as delta27 bp and delta6331–6357. ClinVar contains an entry for this variant (Variation ID: 8627). Algorithms developed to predict the effect of variants on gene product structure and function are not available or were not evaluated for this variant. Experimental studies have shown that this variant affects AMHR2 function (PMID: 19457927, 31291191). For these reasons, this variant has been classified as Pathogenic.

NHS Central & South Genomic Laboratory Hub
Classification: Pathogenic for Differences in sex development. Last evaluated: 2025-10-21. Review status: criteria provided, single submitter. Criteria: ACMG Guidelines, 2015. Collection method: clinical testing. Allele origin: germline. Affected: yes.

CeGaT Center for Human Genetics Tuebingen
Classification: Pathogenic. Last evaluated: 2025-10-01. Review status: criteria provided, single submitter. Criteria: CeGaT Center For Human Genetics Tuebingen Variant Classification Criteria Version 2. Collection method: clinical testing. Allele origin: germline. Affected: yes. Observed: 3 variant alleles.
Comment: AMHR2: PM3:Very Strong, PM1, PM2, PM4

PreventionGenetics, part of Exact Sciences
Classification: Pathogenic for AMHR2-related condition. Last evaluated: 2025-03-26. Review status: criteria provided, single submitter. Criteria: ACMG Guidelines, 2015. Collection method: clinical testing. Allele origin: germline.
Comment: The AMHR2 c.1332_1358del27 variant is predicted to result in an in-frame deletion (p.Gly445_Leu453del). This variant is alternatively referred to as del6331-6357, p.Leu444_Glu452delinsdel, or p.Gly445_Leu453del in the literature. This variant has been reported in the homozygous state or coupled with other AMHR2 missense variants in several individuals with persistent Müllerian duct syndrome (PMDS) (see for example, Imbeaud et al 1996. PubMed ID: 8872466; Baxter et al. 2015. PubMed ID: 25383892; Mullen et al. 2019. PubMed ID: 31301298). This variant was also reported in the heterozygous state in two individuals with congenital hypogonadotropic hypogonadism (CHH, Belville C et al 2009. PubMed ID: 19457927; Malone et al. 2019. PubMed ID: 31291191) and in a third individual with CHH who also had a de novo GNRH1 variant (Stuckey et al. 2023. PubMed ID: 37372384). This 27bp deletion lies within the catalytic intracellular serine/threonine domain of the receptor. Functional studies have shown that this variant is incompetent at transducing an AMH signal and can reduce the AMH-dependent GnRH secretion as compared to control (Belville C et al 2009. PubMed ID: 19457927; Malone SA et al 2019. PubMed ID: 31291191). This variant is reported in 0.096% of alleles in individuals of European (Finnish) descent in gnomAD. This variant is consistently classified as pathogenic in ClinVar. This variant is interpreted as pathogenic.

Blueprint Genetics
Classification: Pathogenic for AMHR2-related disorders. Last evaluated: 2024-11-07. Review status: criteria provided, single submitter. Criteria: ACMG Guidelines, 2015. Collection method: clinical testing. Allele origin: germline. Affected: yes. Observed: 5 variant alleles.

Fulgent Genetics
Classification: Pathogenic for Persistent Mullerian duct syndrome. Last evaluated: 2024-06-09. Review status: criteria provided, single submitter. Criteria: ACMG Guidelines, 2015. Collection method: clinical testing. Allele origin: germline.

Equipe Genetique des Anomalies du Developpement, Université de Bourgogne
Classification: Pathogenic for Persistent Mullerian duct syndrome. Review status: criteria provided, single submitter. Criteria: ACMG Guidelines, 2015. Collection method: clinical testing. Allele origin: maternal. Affected: yes.

OMIM
Classification: Pathogenic for PERSISTENT MULLERIAN DUCT SYNDROME, TYPE II. Last evaluated: 2009-08-15. Review status: no assertion criteria provided. Collection method: literature only. Allele origin: germline. Not counted in ClinVar's aggregate classification.

Literature cited by the submitters: PubMed 8872466 (cited by 3 submitters); PubMed 14745940 (cited by Dasa); PubMed 872466 (cited by Dasa); PubMed 19457927 (cited by 3 submitters); PubMed 31291191 (cited by Dasa and Labcorp Genetics (formerly Invitae), Labcorp).